The following is an entry in ClinVar:

ClinVar aggregate classification (germline): Pathogenic (1 of 4 stars; one submission).

Conditions:
Ataxia - intellectual disability - oculomotor apraxia - cerebellar cysts syndrome. Also called: Poretti-Boltshauser syndrome. Identifiers: Orphanet 370022, MedGen C4014821, MONDO:0014419, OMIM 615960.

Submission:

Diagnostics Services (NGS), CSIR - Centre For Cellular And Molecular Biology
Classification: Pathogenic for Ataxia - intellectual disability - oculomotor apraxia - cerebellar cysts syndrome. Last evaluated: 2023-03-13. Review status: criteria provided, single submitter. Criteria: ACMG Guidelines, 2015. Collection method: clinical testing. Allele origin: germline. Inheritance: Autosomal recessive inheritance. Affected: yes. Observed: 1 homozygote.
Comment: The c.5235_5236del variant is not present in publicly available population databases like 1000 Genomes, ExAC, EVS, Indian Exome Database or our in-house exome database. The variant has neither been published in literature nor reported to clinical databases like in ClinVar, Human Gene Mutation Database (HGMD) or OMIM, in any affected individuals. In silico pathogenicity prediction programs like MutationTaster2, CADD, Varsome, Franklin etc predicted this variant to be likely deleterious. This variant causes frameshift at the 1746th amino acid position of the wild-type transcript which creates a premature translational stop signal in the altered transcript that may either result in translation of a truncated protein or cause nonsense-mediated decay of the mRNA.

NM_005559.4(LAMA1):c.5235_5236del (p.Leu1746fs)

Gene: LAMA1 (laminin subunit alpha 1; minus strand). Cytogenetic location: 18p11.31.
Variant type: Deletion.
Coding change: c.5235_5236del on transcript NM_005559.4 (MANE Select); coding-DNA positions 5235 to 5236, 2 bases deleted (AT; older notation c.5235_5236delAT).
Protein change: p.Leu1746fs; shifts the reading frame from leucine 1746.
Molecular consequence: frameshift variant.
Genome position (GRCh38, 1-based): chr18:6,986,280-6,986,281, AT deleted on the plus strand (AT on the coding strand, the reverse complement: LAMA1 is on the minus strand); deleting any 2 consecutive bases within chr18:6,986,280-6,986,282 gives the same sequence; the c. name uses the placement nearest the transcript's 3' end. VCF-style (leftmost placement, unchanged base first): chr18-6986279-AAT-A. GRCh37 (hg19) VCF-style: chr18-6986278-AAT-A.
Other names: short protein forms L1746fs.
Identifiers: ClinVar variation 2444495 (VCV002444495.4), dbSNP rs2510846304, ClinGen allele CA2580095913.